The following is an entry in ClinVar:

NM_000722.4(CACNA2D1):c.659-15T>A

Gene: CACNA2D1 (calcium voltage-gated channel auxiliary subunit alpha2delta 1; minus strand). Cytogenetic location: 7q21.11.
Variant type: single nucleotide variant.
Coding change: c.659-15T>A on transcript NM_000722.4 (MANE Select); 15 bases into the intron before coding-DNA position 659, T replaced by A.
Molecular consequence: intron variant.
Genome position (GRCh38, 1-based): chr7:82,066,539, A>T on the plus strand (T>A on the coding strand, the complement: CACNA2D1 is on the minus strand). VCF-style: chr7-82066539-A-T. GRCh37 (hg19) VCF-style: chr7-81695855-A-T.
Other names: c.659-15T>A (NM_001366867.1, NM_001302890.2, LRG_437t1).
Identifiers: ClinVar variation 391569 (VCV000391569.8), dbSNP rs1046985886, ClinGen allele CA4318275.

ClinVar aggregate classification (germline): Likely benign. Review status: criteria provided, multiple submitters, no conflicts (2 of 4 stars). 2 submissions from 2 submitters: Likely benign (2). Last evaluated 2026-01-25.

Conditions:
Brugada syndrome. Also called: Sudden Unexplained Death Syndrome; Sudden Unexplained Nocturnal Death Syndrome (SUNDS); Sudden unexplained nocturnal death syndrome; Sudden unexpected nocturnal death syndrome. Identifiers: Orphanet 130, MedGen C1142166, MONDO:0015263.

Allele frequency attached by ClinVar (database versions not stated): gnomAD exomes 0.00016; TOPMed 0.00017; ExAC 0.00026; gnomAD 0.00030 and 0.00031.
gnomAD v4.1: 268 of 1,589,070 alleles (0.017%); highest among the groups gnomAD compares: Non-Finnish European, 0.022%; 1 homozygote.

Submissions (2):

Labcorp Genetics (formerly Invitae), Labcorp
Classification: Likely benign for Brugada syndrome. Last evaluated: 2026-01-25. Review status: criteria provided, single submitter. Criteria: Invitae Variant Classification Sherloc (09022015). Collection method: clinical testing. Allele origin: germline.

GeneDx
Classification: Likely benign. Last evaluated: 2016-11-29. Review status: criteria provided, single submitter. Criteria: GeneDx Variant Classification (06012015). Collection method: clinical testing. Allele origin: germline. Affected: yes.
Comment: This variant is considered likely benign or benign based on one or more of the following criteria: it is a conservative change, it occurs at a poorly conserved position in the protein, it is predicted to be benign by multiple in silico algorithms, and/or has population frequency not consistent with disease.